The following is an entry in ClinVar:

ClinVar aggregate classification (germline): Pathogenic (1 of 4 stars; one submission).

Conditions:
Familial focal epilepsy with variable foci (FPEVF). Identifiers: Orphanet 98820, MedGen C1858477, MONDO:0020310.

Submission:

Labcorp Genetics (formerly Invitae), Labcorp
Classification: Pathogenic for Familial focal epilepsy with variable foci. Last evaluated: 2020-05-03. Review status: criteria provided, single submitter. Criteria: Invitae Variant Classification Sherloc (09022015). Collection method: clinical testing. Allele origin: germline.
Comment: For these reasons, this variant has been classified as Pathogenic. Loss-of-function variants in DEPDC5 are known to be pathogenic (PMID: 23542697, 23542701). This variant has not been reported in the literature in individuals with DEPDC5-related conditions. This variant is an out-of-frame deletion of the genomic region encompassing exon 5 of the DEPDC5 gene. This is expected to create a premature translational stop signal and result in an absent or disrupted protein product.

Literature cited by the submitters: PubMed 23542697; PubMed 23542701.

NC_000022.10:g.(?_32160941)_(32161066_?)del

Gene: DEPDC5 (DEP domain containing 5, GATOR1 subcomplex subunit; plus strand). Cytogenetic location: 22q12.2.
Variant type: Deletion.
Identifiers: ClinVar variation 1069166 (VCV001069166.5).